The following is an entry in ClinVar:

ClinVar aggregate classification (germline): Uncertain significance. Review status: criteria provided, multiple submitters, no conflicts (2 of 4 stars). 5 submissions from 5 submitters: Uncertain significance (4). 1 of the submissions does not count toward it. Last evaluated 2025-04-20.

Conditions:
Familial cancer of breast. Also called: BREAST CANCER, FAMILIAL; Hereditary breast cancer; hereditary breast carcinoma. Identifiers: Orphanet 227535, MedGen C0346153, MONDO:0016419, OMIM 114480. Disease mechanism: loss of function.
Ataxia-telangiectasia syndrome (AT). Also called: ATAXIA-TELANGIECTASIA, COMPLEMENTATION GROUP A; ATAXIA-TELANGIECTASIA, FRESNO VARIANT; Ataxia-telangiectasia; Ataxia-telangiectasia, complementation group D; AT, COMPLEMENTATION GROUP C; Cerebello-oculocutaneous telangiectasia. Identifiers: Orphanet 100, MedGen C0004135, MONDO:0008840, OMIM 208900.
Hereditary cancer-predisposing syndrome. Also called: Tumor predisposition; Hereditary neoplastic syndrome; Neoplastic Syndromes, Hereditary; Hereditary Cancer Syndrome. Identifiers: Orphanet 140162, MedGen C0027672, MeSH D009386, MONDO:0015356.

Submissions (5):

Ambry Genetics
Classification: Uncertain significance for Hereditary cancer-predisposing syndrome. Last evaluated: 2025-04-20. Review status: criteria provided, single submitter. Criteria: Ambry Variant Classification Scheme 2023. Collection method: clinical testing. Allele origin: germline.
Comment: The p.I1557M variant (also known as c.4671C>G), located in coding exon 30 of the ATM gene, results from a C to G substitution at nucleotide position 4671. The isoleucine at codon 1557 is replaced by methionine, an amino acid with highly similar properties. This amino acid position is conserved. In addition, this alteration is predicted to be tolerated by in silico analysis. Since supporting evidence is limited at this time, the clinical significance of this alteration remains unclear.

Baylor Genetics
Classification: Uncertain significance for Familial cancer of breast. Last evaluated: 2024-02-10. Review status: criteria provided, single submitter. Criteria: ACMG Guidelines, 2015. Collection method: clinical testing. Allele origin: unknown.

Labcorp Genetics (formerly Invitae), Labcorp
Classification: Uncertain significance for Ataxia-telangiectasia syndrome. Last evaluated: 2023-12-27. Review status: criteria provided, single submitter. Criteria: Invitae Variant Classification Sherloc (09022015). Collection method: clinical testing. Allele origin: germline.
Comment: This sequence change replaces isoleucine, which is neutral and non-polar, with methionine, which is neutral and non-polar, at codon 1557 of the ATM protein (p.Ile1557Met). This variant is not present in population databases (gnomAD no frequency). This variant has not been reported in the literature in individuals affected with ATM-related conditions. ClinVar contains an entry for this variant (Variation ID: 965387). Algorithms developed to predict the effect of missense changes on protein structure and function output the following: SIFT: "Not Available"; PolyPhen-2: "Benign"; Align-GVGD: "Not Available". The methionine amino acid residue is found in multiple mammalian species, which suggests that this missense change does not adversely affect protein function. In summary, the available evidence is currently insufficient to determine the role of this variant in disease. Therefore, it has been classified as a Variant of Uncertain Significance.

GeneDx
Classification: Uncertain significance. Last evaluated: 2023-08-22. Review status: criteria provided, single submitter. Criteria: GeneDx Variant Classification Process June 2021. Collection method: clinical testing. Allele origin: germline.
Comment: Not observed at significant frequency in large population cohorts (gnomAD); In silico analysis supports that this missense variant does not alter protein structure/function; Has not been previously published as pathogenic or benign to our knowledge

Natera, Inc.
Classification: Uncertain significance for Ataxia-telangiectasia. Last evaluated: 2021-06-07. Review status: no assertion criteria provided. Collection method: clinical testing. Allele origin: germline. Not counted in ClinVar's aggregate classification.

NM_000051.4(ATM):c.4671C>G (p.Ile1557Met)

Gene: ATM (ATM serine/threonine kinase; plus strand). Cytogenetic location: 11q22.3.
Variant type: single nucleotide variant.
Coding change: c.4671C>G on transcript NM_000051.4 (MANE Select); coding-DNA position 4671, C replaced by G.
Protein change: p.Ile1557Met; replaces isoleucine 1557 with methionine.
Molecular consequence: missense variant.
Genome position (GRCh38, 1-based): chr11:108,293,372, C>G. VCF-style: chr11-108293372-C-G. GRCh37 (hg19) VCF-style: chr11-108164099-C-G.
Other names: c.4671C>G, p.Ile1557Met (NM_001351834.2); short protein forms I1557M.
Identifiers: ClinVar variation 965387 (VCV000965387.16), dbSNP rs966733287, ClinGen allele CA228379181.